The following is an entry in ClinVar:

NM_207346.3(TSEN54):c.621_623+9del

Gene: TSEN54 (tRNA splicing endonuclease subunit 54; plus strand). Cytogenetic location: 17q25.1.
Variant type: Deletion.
Coding change: c.621_623+9del on transcript NM_207346.3 (MANE Select); coding-DNA position 621 through 9 bases into the intron after coding-DNA position 623, 12 bases deleted (TCGGTAACTCCC).
Molecular consequence: splice donor variant.
Genome position (GRCh38, 1-based): chr17:75,521,508-75,521,519, TCGGTAACTCCC deleted; deleting any 12 consecutive bases within chr17:75,521,505-75,521,519 gives the same sequence; the c. name uses the placement nearest the transcript's 3' end. VCF-style (leftmost placement, unchanged base first): chr17-75521504-GCCCTCGGTAACT-G. GRCh37 (hg19) VCF-style: chr17-73517585-GCCCTCGGTAACT-G.
Other names: c.621_623+9del12 (NM_207346.3).
Identifiers: ClinVar variation 3063937 (VCV003063937.1), dbSNP rs2546156325, ClinGen allele CA2740093912.

ClinVar aggregate classification (germline): Likely pathogenic (1 of 4 stars; one submission).

Conditions:
Pontoneocerebellar hypoplasia. Also called: Pontocerebellar hypoplasia; Non-syndromic pontocerebellar hypoplasia. Identifiers: Orphanet 98523, MedGen C1261175, MONDO:0020135.

Submission:

Women's Health and Genetics/Laboratory Corporation of America, LabCorp
Classification: Likely pathogenic for Pontoneocerebellar hypoplasia. Last evaluated: 2024-01-15. Review status: criteria provided, single submitter. Criteria: LabCorp Variant Classification Summary - May 2015. Collection method: clinical testing. Allele origin: germline.
Comment: Variant summary: TSEN54 c.621_623+9del12 is located in a canonical splice-site and is predicted to affect mRNA splicing resulting in a significantly altered protein due to either exon skipping, shortening, or inclusion of intronic material. Several computational tools predict a significant impact on normal splicing: Four predict the variant abolishes a 5' splicing donor site. However, these predictions have yet to be confirmed by functional studies. The variant was absent in 251176 control chromosomes. To our knowledge, no occurrence of c.621_623+9del12 in individuals affected with Pontocerebellar Hypoplasia and no experimental evidence demonstrating its impact on protein function have been reported. No submitters have cited clinical-significance assessments for this variant to ClinVar. Based on the evidence outlined above, the variant was classified as likely pathogenic.